The following is an entry in ClinVar:

ClinVar aggregate classification (germline): Likely benign (1 of 4 stars; one submission).

Submission:

CeGaT Center for Human Genetics Tuebingen
Classification: Likely benign. Last evaluated: 2023-03-01. Review status: criteria provided, single submitter. Criteria: CeGaT Center For Human Genetics Tuebingen Variant Classification Criteria Version 2. Collection method: clinical testing. Allele origin: germline. Affected: yes. Observed: 1 variant allele.
Comment: NBEA: PM2:Supporting, BP4, BP7

NM_001385012.1(NBEA):c.8424T>C (p.Ser2808=)

Gene: NBEA (neurobeachin; plus strand). Cytogenetic location: 13q13.3.
Variant type: single nucleotide variant.
Coding change: c.8424T>C on transcript NM_001385012.1 (MANE Select); coding-DNA position 8424, T replaced by C.
Protein change: p.Ser2808=; no amino-acid change (serine 2808 retained).
Molecular consequence: synonymous variant.
Genome position (GRCh38, 1-based): chr13:35,665,146, T>C. VCF-style: chr13-35665146-T-C. GRCh37 (hg19) VCF-style: chr13-36239283-T-C.
Other names: c.1740T>C, p.Ser580= (NM_001204197.3); c.8415T>C, p.Ser2805= (NM_001379245.1); c.8361T>C, p.Ser2787= (NM_015678.5).
Identifiers: ClinVar variation 2498580 (VCV002498580.28), dbSNP rs2550035662, ClinGen allele CA483187712.